The following is an entry in ClinVar:

ClinVar aggregate classification (germline): Uncertain significance (1 of 4 stars; one submission).

Conditions:
Fabry disease. Also called: ALPHA-GALACTOSIDASE A DEFICIENCY; ANDERSON-FABRY DISEASE; CERAMIDE TRIHEXOSIDASE DEFICIENCY; GLA DEFICIENCY; HEREDITARY DYSTOPIC LIPIDOSIS; Angiokeratoma corporis diffusum. Identifiers: Orphanet 324, MedGen C0002986, MONDO:0010526, OMIM 301500, HP:0001071. Disease mechanism: Fabry disease is due to inactivating mutations in the X-linked GLA gene resulting in deficiency of the enzyme Alpha Galactosidase-A., loss of function.

Submission:

Genomenon, Inc
Classification: Uncertain significance for Fabry disease. Last evaluated: 2026-09-08. Review status: criteria provided, single submitter. Criteria: Genomenon Sequence Variant Interpretation Standards - Updated. Collection method: curation. Allele origin: germline. Affected: no.
Comment: GLA p.Asn139Thr (c.416A>C) is a missense variant that changes the amino acid at codon 139 from Asparagine to Threonine. This variant has been reported in the published literature (PMID:31036492;27657681). It is absent or not present at a significant frequency in gnomAD. In conclusion, we classify GLA p.Asn139Thr (c.416A>C) as a variant of uncertain significance.

Literature cited by the submitters: PubMed 31036492; PubMed 27657681.

NM_000169.3(GLA):c.416A>C (p.Asn139Thr)

Genes: GLA (galactosidase alpha; minus strand), RPL36A-HNRNPH2 (RPL36A-HNRNPH2 readthrough; plus strand). Cytogenetic location: Xq22.1.
Variant type: single nucleotide variant.
Coding change: c.416A>C on transcript NM_000169.3 (MANE Select); coding-DNA position 416, A replaced by C.
Protein change: p.Asn139Thr; replaces asparagine 139 with threonine.
Molecular consequence: missense variant. On other transcripts: non-coding transcript variant (3), intron variant (2).
Genome position (GRCh38, 1-based): chrX:101,401,763, T>G on the plus strand (A>C on the coding strand, the complement: GLA is on the minus strand). VCF-style: chrX-101401763-T-G. GRCh37 (hg19) VCF-style: chrX-100656751-T-G.
Other names: c.539A>C, p.Asn180Thr (NM_001406747.1, NM_001406749.1); c.416A>C, p.Asn139Thr (NM_001406748.1); c.300+6306T>G (NM_001199973.2); c.177+9941T>G (NM_001199974.2); short protein forms N139T, N180T.
Identifiers: ClinVar variation 4087365 (VCV004087365.2).
Genomic context (GRCh38, chrX:101,401,763, plus strand): 5'-AAGGTCTGGGCATCAATGTCGTAGTATCCAAAACTCCCAGGGAAGCCTGCGCAGGTTTTA[T>G]TTCCAACATCTGCATAAATCCCTAGCTTCAGTCCTTTGCTGTGAACCTGAAATGAGAGGG-3'
Protein context (NP_000160.1, residues 129-149): LKLGIYADVG[Asn139Thr]KTCAGFPGSF